The following is an entry in ClinVar:

NM_002500.5(NEUROD1):c.19G>A (p.Glu7Lys)

Gene: NEUROD1 (neuronal differentiation 1; minus strand). Cytogenetic location: 2q31.3.
Variant type: single nucleotide variant.
Coding change: c.19G>A on transcript NM_002500.5 (MANE Select); coding-DNA position 19, G replaced by A.
Protein change: p.Glu7Lys; replaces glutamic acid 7 with lysine.
Molecular consequence: missense variant.
Genome position (GRCh38, 1-based): chr2:181,678,842, C>T on the plus strand (G>A on the coding strand, the complement: NEUROD1 is on the minus strand). VCF-style: chr2-181678842-C-T. GRCh37 (hg19) VCF-style: chr2-182543569-C-T.
Other names: short protein forms E7K.
Identifiers: ClinVar variation 3585121 (VCV003585121.2).

ClinVar aggregate classification (germline): Uncertain significance. Review status: criteria provided, multiple submitters, no conflicts (2 of 4 stars). 2 submissions from 2 submitters: Uncertain significance (2). Last evaluated 2025-09-29.

Conditions:
Type 2 diabetes mellitus. Also called: Type II diabetes mellitus. Identifiers: MedGen C0011860, MeSH D003924, MONDO:0005148, OMIM 125853, HP:0005978.
Maturity-onset diabetes of the young type 6 (MODY6). Identifiers: Orphanet 552, MedGen C1853371, MONDO:0011668, OMIM 606394.

Submissions (2):

Labcorp Genetics (formerly Invitae), Labcorp
Classification: Uncertain significance. Last evaluated: 2025-09-29. Review status: criteria provided, single submitter. Criteria: Invitae Variant Classification Sherloc (09022015). Collection method: clinical testing. Allele origin: germline.
Comment: This sequence change replaces glutamic acid, which is acidic and polar, with lysine, which is basic and polar, at codon 7 of the NEUROD1 protein (p.Glu7Lys). This variant is not present in population databases (gnomAD no frequency). This variant has not been reported in the literature in individuals affected with NEUROD1-related conditions. ClinVar contains an entry for this variant (Variation ID: 3585121). An algorithm developed to predict the effect of missense changes on protein structure and function (PolyPhen-2) suggests that this variant is likely to be tolerated. In summary, the available evidence is currently insufficient to determine the role of this variant in disease. Therefore, it has been classified as a Variant of Uncertain Significance.

Fulgent Genetics
Classification: Uncertain significance for Type 2 diabetes mellitus; Maturity-onset diabetes of the young type 6. Last evaluated: 2024-04-04. Review status: criteria provided, single submitter. Criteria: ACMG Guidelines, 2015. Collection method: clinical testing. Allele origin: germline.